The following is an entry in ClinVar:

ClinVar aggregate classification (germline): Uncertain significance (1 of 4 stars; one submission).

Conditions:
Primary ciliary dyskinesia. Also called: Ciliary dyskinesia. Identifiers: Orphanet 244, MedGen C0008780, MONDO:0016575, HP:0012265.

Submission:

Labcorp Genetics (formerly Invitae), Labcorp
Classification: Uncertain significance for Primary ciliary dyskinesia. Last evaluated: 2021-08-12. Review status: criteria provided, single submitter. Criteria: Invitae Variant Classification Sherloc (09022015). Collection method: clinical testing. Allele origin: germline.
Comment: This sequence change replaces tyrosine with histidine at codon 4207 of the DNAH11 protein (p.Tyr4207His). The tyrosine residue is highly conserved and there is a moderate physicochemical difference between tyrosine and histidine. This variant is not present in population databases (ExAC no frequency). This missense change has been observed in individual(s) with clinical features of DNAH11-related conditions (Invitae). Algorithms developed to predict the effect of missense changes on protein structure and function are either unavailable or do not agree on the potential impact of this missense change (SIFT: "Tolerated"; PolyPhen-2: "Probably Damaging"; Align-GVGD: "Class C0"). In summary, the available evidence is currently insufficient to determine the role of this variant in disease. Therefore, it has been classified as a Variant of Uncertain Significance.

NM_001277115.2(DNAH11):c.12619T>C (p.Tyr4207His)

Gene: DNAH11 (dynein axonemal heavy chain 11; plus strand). Cytogenetic location: 7p15.3.
Variant type: single nucleotide variant.
Coding change: c.12619T>C on transcript NM_001277115.2 (MANE Select); coding-DNA position 12619, T replaced by C.
Protein change: p.Tyr4207His; replaces tyrosine 4207 with histidine.
Molecular consequence: missense variant.
Genome position (GRCh38, 1-based): chr7:21,892,536, T>C. VCF-style: chr7-21892536-T-C. GRCh37 (hg19) VCF-style: chr7-21932154-T-C.
Other names: short protein forms Y4207H.
Identifiers: ClinVar variation 577748 (VCV000577748.6), dbSNP rs1562607173, ClinGen allele CA366953251.